The following is an entry in ClinVar:

NM_004063.4(CDH17):c.2364A>G (p.Ala788=)

Gene: CDH17 (cadherin 17; minus strand). Cytogenetic location: 8q22.1.
Variant type: single nucleotide variant.
Coding change: c.2364A>G on transcript NM_004063.4 (MANE Select); coding-DNA position 2364, A replaced by G.
Protein change: p.Ala788=; no amino-acid change (alanine 788 retained).
Molecular consequence: synonymous variant.
Genome position (GRCh38, 1-based): chr8:94,130,660, T>C on the plus strand (A>G on the coding strand, the complement: CDH17 is on the minus strand). VCF-style: chr8-94130660-T-C. GRCh37 (hg19) VCF-style: chr8-95142888-T-C.
Other names: c.2364A>G, p.Ala788= (NM_001144663.2).
Identifiers: ClinVar variation 720737 (VCV000720737.29), dbSNP rs146691258, ClinGen allele CA4808916.

ClinVar aggregate classification (germline): Benign/Likely benign. Review status: criteria provided, multiple submitters, no conflicts (2 of 4 stars). 3 submissions from 3 submitters: Benign (2); Likely benign (1). Last evaluated 2022-04-01.

Allele frequency attached by ClinVar (database versions not stated): gnomAD exomes 0.00067; ExAC 0.00089; 1000 Genomes Project 30x 0.00172; 1000 Genomes Project 0.00200; gnomAD 0.00257 and 0.00285; TOPMed 0.00300; ESP Exome Variant Server 0.00331.
gnomAD v4.1: 770 of 1,613,702 alleles (0.048%); highest among the groups gnomAD compares: African/African-American, 0.92%; 1 homozygote.

Submissions (3):

CeGaT Center for Human Genetics Tuebingen
Classification: Likely benign. Last evaluated: 2022-04-01. Review status: criteria provided, single submitter. Criteria: CeGaT Center For Human Genetics Tuebingen Variant Classification Criteria Version 2. Collection method: clinical testing. Allele origin: germline. Affected: yes. Observed: 1 variant allele.
Comment: CDH17: BP4, BP7

Labcorp Genetics (formerly Invitae), Labcorp
Classification: Benign. Last evaluated: 2019-12-31. Review status: criteria provided, single submitter. Criteria: Invitae Variant Classification Sherloc (09022015). Collection method: clinical testing. Allele origin: germline.

Breakthrough Genomics
Classification: Benign. Review status: criteria provided, single submitter. Criteria: ACMG Guidelines, 2015. Collection method: not provided. Allele origin: germline. Inheritance: Unknown mechanism. Affected: yes.